The following is an entry in ClinVar:

ClinVar aggregate classification (germline): Uncertain significance (1 of 4 stars; one submission).

Conditions:
Cardiovascular phenotype. Identifiers: MedGen CN230736.

gnomAD v4.1: 2 of 1,613,658 alleles (0.00012%); highest among the groups gnomAD compares: Non-Finnish European, 0.00017%; no homozygotes.

Submission:

Ambry Genetics
Classification: Uncertain significance for Cardiovascular phenotype. Last evaluated: 2026-04-27. Review status: criteria provided, single submitter. Criteria: Ambry Variant Classification Scheme 2023. Collection method: clinical testing. Allele origin: germline.
Comment: The p.A312D variant (also known as c.935C>A), located in coding exon 9 of the MYH6 gene, results from a C to A substitution at nucleotide position 935. The alanine at codon 312 is replaced by aspartic acid, an amino acid with dissimilar properties. This amino acid position is conserved. In addition, the in silico prediction for this alteration is inconclusive. Based on the available evidence, the clinical significance of this variant remains unclear.

NM_002471.4(MYH6):c.935C>A (p.Ala312Asp)

Gene: MYH6 (myosin heavy chain 6; minus strand). Cytogenetic location: 14q11.2.
Variant type: single nucleotide variant.
Coding change: c.935C>A on transcript NM_002471.4 (MANE Select); coding-DNA position 935, C replaced by A.
Protein change: p.Ala312Asp; replaces alanine 312 with aspartic acid.
Molecular consequence: missense variant.
Genome position (GRCh38, 1-based): chr14:23,402,764, G>T on the plus strand (C>A on the coding strand, the complement: MYH6 is on the minus strand). VCF-style: chr14-23402764-G-T. GRCh37 (hg19) VCF-style: chr14-23871973-G-T.
Other names: short protein forms A312D.
Identifiers: ClinVar variation 4860564 (VCV004860564.1).
Genomic context (GRCh38, chr14:23,402,764, plus strand): 5'-GCCATGAGCTCCTCGGAGTCATCAATGGAGGCCACGGACACCTCTCCCTGAGACACGAAG[G>T]CGTAGTCGTAGGGATTGTTGGTGACCAGCAGCATGTCTGCACCAGGCAAGGGGTGAGGCA-3'
Protein context (NP_002462.2, residues 302-322): LLVTNNPYDY[Ala312Asp]FVSQGEVSVA